The following is an entry in ClinVar:

NM_000393.5(COL5A2):c.2831G>C (p.Arg944Pro)

Gene: COL5A2 (collagen type V alpha 2 chain; minus strand). Cytogenetic location: 2q32.2.
Variant type: single nucleotide variant.
Coding change: c.2831G>C on transcript NM_000393.5 (MANE Select); coding-DNA position 2831, G replaced by C.
Protein change: p.Arg944Pro; replaces arginine 944 with proline.
Molecular consequence: missense variant.
Genome position (GRCh38, 1-based): chr2:189,051,420, C>G on the plus strand (G>C on the coding strand, the complement: COL5A2 is on the minus strand). VCF-style: chr2-189051420-C-G. GRCh37 (hg19) VCF-style: chr2-189916146-C-G.
Other names: short protein forms R944P.
Identifiers: ClinVar variation 519673 (VCV000519673.9), dbSNP rs761988412, ClinGen allele CA349868141.

ClinVar aggregate classification (germline): Uncertain significance. Review status: criteria provided, multiple submitters, no conflicts (2 of 4 stars). 4 submissions from 4 submitters: Uncertain significance (4). Last evaluated 2025-07-27.

Conditions:
Familial thoracic aortic aneurysm and aortic dissection (TAAD). Also called: Thoracic aortic aneurysms and dissections. Identifiers: Orphanet 91387, MedGen C4707243, MONDO:0019625.
Ehlers-Danlos syndrome, classic type, 1 (EDSCL1). Also called: EDS I; EHLERS-DANLOS SYNDROME, GRAVIS TYPE; Ehlers-Danlos syndrome, type 1; Ehlers-Danlos Syndrome, Classic Type, COL5A1-Related; EHLERS-DANLOS SYNDROME, SEVERE CLASSIC TYPE. Identifiers: MedGen C0268335, MONDO:0019567, OMIM 130000.

gnomAD v4.1: 6 of 1,613,758 alleles (0.00037%); highest among the groups gnomAD compares: East Asian, 0.0022%; no homozygotes.

Submissions (4):

Labcorp Genetics (formerly Invitae), Labcorp
Classification: Uncertain significance for Ehlers-Danlos syndrome, classic type, 1. Last evaluated: 2025-07-27. Review status: criteria provided, single submitter. Criteria: Invitae Variant Classification Sherloc (09022015). Collection method: clinical testing. Allele origin: germline.
Comment: This sequence change replaces arginine, which is basic and polar, with proline, which is neutral and non-polar, at codon 944 of the COL5A2 protein (p.Arg944Pro). This variant is present in population databases (no rsID available, gnomAD 0.0009%). This variant has not been reported in the literature in individuals affected with COL5A2-related conditions. ClinVar contains an entry for this variant (Variation ID: 519673). Invitae Evidence Modeling of protein sequence and biophysical properties (such as structural, functional, and spatial information, amino acid conservation, physicochemical variation, residue mobility, and thermodynamic stability) indicates that this missense variant is not expected to disrupt COL5A2 protein function with a negative predictive value of 80%. In summary, the available evidence is currently insufficient to determine the role of this variant in disease. Therefore, it has been classified as a Variant of Uncertain Significance.

Women's Health and Genetics/Laboratory Corporation of America, LabCorp
Classification: Uncertain significance. Last evaluated: 2025-05-15. Review status: criteria provided, single submitter. Criteria: LabCorp Variant Classification Summary - May 2015. Collection method: clinical testing. Allele origin: germline.

Blueprint Genetics
Classification: Uncertain significance. Last evaluated: 2024-10-03. Review status: criteria provided, single submitter. Criteria: ACMG Guidelines, 2015. Collection method: clinical testing. Allele origin: germline.

Ambry Genetics
Classification: Uncertain significance for Familial thoracic aortic aneurysm and aortic dissection. Last evaluated: 2016-06-29. Review status: criteria provided, single submitter. Criteria: Ambry Variant Classification Scheme 2023. Collection method: clinical testing. Allele origin: germline.
Comment: The p.R944P variant (also known as c.2831G>C), located in coding exon 42 of the COL5A2 gene, results from a G to C substitution at nucleotide position 2831. The arginine at codon 944 is replaced by proline, an amino acid with dissimilar properties. This variant was not reported in population based cohorts in the following databases: Database of Single Nucleotide Polymorphisms (dbSNP), NHLBI Exome Sequencing Project (ESP), and 1000 Genomes Project. In the ESP, this variant was not observed in 6503 samples (13006 alleles) with coverage at this position. This amino acid position is well conserved in available vertebrate species; however, proline is the reference amino acid in other vertebrate species. In addition, the in silico prediction for this alteration is inconclusive. Since supporting evidence is limited at this time, the clinical significance of this alteration remains unclear.